The following is an entry in ClinVar:

ClinVar aggregate classification (germline): Pathogenic (1 of 4 stars; one submission).

Conditions:
Cockayne spectrum with or without cerebrooculofacioskeletal syndrome. Identifiers: MedGen CN315928, MONDO:0100506.

Submission:

Myriad Genetics, Inc.
Classification: Pathogenic for Cockayne spectrum with or without cerebrooculofacioskeletal syndrome. Last evaluated: 2024-05-14. Review status: criteria provided, single submitter. Criteria: Myriad Autosomal Dominant, Autosomal Recessive and X-Linked Classification Criteria (2023). Collection method: clinical testing. Allele origin: unknown.
Comment: NM_000124.2(ERCC6):c.1261G>T(E421*) is expected to be pathogenic in the context of ERCC6-related disorders. This variant is predicted to lead to an abnormal or absent protein product due to the creation of a premature termination codon in ERCC6, a gene where loss-of-function variants are known to be pathogenic. Please note: this variant was assessed in the context of healthy population screening.

NM_000124.4(ERCC6):c.1261G>T (p.Glu421Ter)

Genes: ERCC6 (ERCC excision repair 6, chromatin remodeling factor; minus strand), PGBD3 (piggyBac transposable element derived 3; minus strand). Cytogenetic location: 10q11.23.
Variant type: single nucleotide variant.
Coding change: c.1261G>T on transcript NM_000124.4 (MANE Select); coding-DNA position 1261, G replaced by T.
Protein change: p.Glu421Ter; replaces glutamic acid 421 with a stop codon.
Molecular consequence: nonsense. On other transcripts: 5 prime UTR variant (1).
Genome position (GRCh38, 1-based): chr10:49,524,169, C>A on the plus strand (G>T on the coding strand, the complement: ERCC6 is on the minus strand). VCF-style: chr10-49524169-C-A. GRCh37 (hg19) VCF-style: chr10-50732215-C-A.
Other names: c.1261G>T, p.Glu421Ter (NM_001277058.2, NM_001277059.2, NM_001346440.2); c.-144G>T (NM_170753.3); short protein forms E421*.
Identifiers: ClinVar variation 5013055 (VCV005013055.1).
Genomic context (GRCh38, chr10:49,524,169, plus strand): 5'-CTCCTACAGAAGCAGCTTCAGCTTCTTCCCCAGAACTTGGGAAAAAGTCATCATCAATCT[C>A]CTGCACTGGCACTTTCTTCTGCCGTTTCCCGCCCTTGGGCAGAGGCTTCAGCTCATAGTC-3'